The following is an entry in ClinVar:

ClinVar aggregate classification (germline): Uncertain significance. Review status: criteria provided, multiple submitters, no conflicts (2 of 4 stars). 3 submissions from 3 submitters: Uncertain significance (3). Last evaluated 2025-10-01.

Conditions:
Inborn genetic diseases. Identifiers: MedGen C0950123, MeSH D030342.

Allele frequency attached by ClinVar (database versions not stated): ExAC 0.00002; gnomAD exomes 0.00003 and 0.00004; ESP Exome Variant Server 0.00008; gnomAD 0.00009.
gnomAD v4.1: 63 of 1,614,186 alleles (0.0039%); highest among the groups gnomAD compares: African/African-American, 0.015%; no homozygotes.

Submissions (3):

Labcorp Genetics (formerly Invitae), Labcorp
Classification: Uncertain significance. Last evaluated: 2025-10-01. Review status: criteria provided, single submitter. Criteria: Invitae Variant Classification Sherloc (09022015). Collection method: clinical testing. Allele origin: germline.
Comment: This sequence change replaces valine, which is neutral and non-polar, with alanine, which is neutral and non-polar, at codon 937 of the NLRP1 protein (p.Val937Ala). This variant is present in population databases (rs201740824, gnomAD 0.01%). This variant has not been reported in the literature in individuals affected with NLRP1-related conditions. ClinVar contains an entry for this variant (Variation ID: 1435794). An algorithm developed to predict the effect of missense changes on protein structure and function outputs the following: PolyPhen-2: "Benign". The alanine amino acid residue is found in multiple mammalian species, which suggests that this missense change does not adversely affect protein function. In summary, the available evidence is currently insufficient to determine the role of this variant in disease. Therefore, it has been classified as a Variant of Uncertain Significance.

Ambry Genetics
Classification: Uncertain significance for Inborn genetic diseases. Last evaluated: 2025-08-14. Review status: criteria provided, single submitter. Criteria: Ambry Variant Classification Scheme 2023. Collection method: clinical testing. Allele origin: germline.

GeneDx
Classification: Uncertain significance. Last evaluated: 2023-02-26. Review status: criteria provided, single submitter. Criteria: GeneDx Variant Classification Process June 2021. Collection method: clinical testing. Allele origin: germline. Affected: yes.
Comment: In silico analysis supports that this missense variant does not alter protein structure/function; Has not been previously published as pathogenic or benign to our knowledge

NM_033004.4(NLRP1):c.2810T>C (p.Val937Ala)

Gene: NLRP1 (NLR family pyrin domain containing 1; minus strand). Cytogenetic location: 17p13.2.
Variant type: single nucleotide variant.
Coding change: c.2810T>C on transcript NM_033004.4 (MANE Select); coding-DNA position 2810, T replaced by C.
Protein change: p.Val937Ala; replaces valine 937 with alanine.
Molecular consequence: missense variant.
Genome position (GRCh38, 1-based): chr17:5,539,475, A>G on the plus strand (T>C on the coding strand, the complement: NLRP1 is on the minus strand). VCF-style: chr17-5539475-A-G. GRCh37 (hg19) VCF-style: chr17-5442795-A-G.
Other names: c.2810T>C, p.Val937Ala (NM_001033053.3, NM_014922.5, NM_033006.4 and 1 more transcripts); c.2810T>C (NM_033004.3); short protein forms V937A.
Identifiers: ClinVar variation 1435794 (VCV001435794.9), dbSNP rs201740824, ClinGen allele CA8327054.
Genomic context (GRCh38, chr17:5,539,475, plus strand): 5'-CCCAGGCGTATGAGTTTGCAGGCAGGATGCCTGAGCCCCTCACAGAGCAGTCGCACGCCA[A>G]CGTCATCCAGGTTGTTCTGCTGCAGGTCTAGCTCCTTCAGGCTGGGGCTGGCACTAAGCA-3'
Protein context (NP_127497.1, residues 927-947): LDLQQNNLDD[Val937Ala]GVRLLCEGLR